The following is an entry in ClinVar:

ClinVar aggregate classification (germline): Uncertain significance (1 of 4 stars; one submission).

Conditions:
Adams-Oliver syndrome 5 (AOS5). Identifiers: Orphanet 974, MedGen C4014970, MONDO:0014459, OMIM 616028.

Submission:

Labcorp Genetics (formerly Invitae), Labcorp
Classification: Uncertain significance for Adams-Oliver syndrome 5. Last evaluated: 2024-06-26. Review status: criteria provided, single submitter. Criteria: Invitae Variant Classification Sherloc (09022015). Collection method: clinical testing. Allele origin: germline.
Comment: This sequence change replaces glycine, which is neutral and non-polar, with alanine, which is neutral and non-polar, at codon 1526 of the NOTCH1 protein (p.Gly1526Ala). This variant is not present in population databases (gnomAD no frequency). This variant has not been reported in the literature in individuals affected with NOTCH1-related conditions. Advanced modeling of protein sequence and biophysical properties (such as structural, functional, and spatial information, amino acid conservation, physicochemical variation, residue mobility, and thermodynamic stability) performed at Invitae indicates that this missense variant is not expected to disrupt NOTCH1 protein function with a negative predictive value of 80%. In summary, the available evidence is currently insufficient to determine the role of this variant in disease. Therefore, it has been classified as a Variant of Uncertain Significance.

NM_017617.5(NOTCH1):c.4577G>C (p.Gly1526Ala)

Gene: NOTCH1 (notch receptor 1; minus strand). Cytogenetic location: 9q34.3.
Variant type: single nucleotide variant.
Coding change: c.4577G>C on transcript NM_017617.5 (MANE Select); coding-DNA position 4577, G replaced by C.
Protein change: p.Gly1526Ala; replaces glycine 1526 with alanine.
Molecular consequence: missense variant.
Genome position (GRCh38, 1-based): chr9:136,505,319, C>G on the plus strand (G>C on the coding strand, the complement: NOTCH1 is on the minus strand). VCF-style: chr9-136505319-C-G. GRCh37 (hg19) VCF-style: chr9-139399771-C-G.
Other names: short protein forms G1526A.
Identifiers: ClinVar variation 3669847 (VCV003669847.2).
Genomic context (GRCh38, chr9:136,505,319, plus strand): 5'-CCACATCCAAGTTCAGGTCCTCCCTCAGCCCCATGAGCCCCGCAGCCTTACTTGCACTGG[C>G]CTTCCGCACGCTGGCAGTCAAAGCCGTCGAAGAGGCAGCCGGCTGAGTTGCACTGGCTGT-3'
Protein context (NP_060087.3, residues 1516-1536): FDGFDCQRAE[Gly1526Ala]QCNPLYDQYC